The following is an entry in ClinVar:

ClinVar aggregate classification (germline): Uncertain significance. Review status: criteria provided, single submitter (1 of 4 stars). 2 submissions from 2 submitters: Uncertain significance (1). 1 of the submissions does not count toward it. Last evaluated 2022-03-13.

Conditions:
Jeune thoracic dystrophy. Also called: Jeune syndrome; Infantile thoracic dystrophy; Thoracic pelvic phalangeal dystrophy; Jeune's syndrome; Chondroectodermal dysplasia-like syndrome; Short-rib thoracic dysplasia. Identifiers: Orphanet 474, MedGen C0265275, MONDO:0018770.
Nephronophthisis. Also called: Juvenile Nephronophthisis. Identifiers: Orphanet 655, MedGen C0687120, MONDO:0019005, HP:0000090.
TTC21B-related disorder. Also called: TTC21B-related condition; TTC21B-related disorders.

gnomAD v4.1: 2 of 1,613,828 alleles (0.00012%); highest among the groups gnomAD compares: South Asian, 0.0011%; no homozygotes.

Submissions (2):

Labcorp Genetics (formerly Invitae), Labcorp
Classification: Uncertain significance for Jeune thoracic dystrophy; Nephronophthisis. Last evaluated: 2022-03-13. Review status: criteria provided, single submitter. Criteria: Invitae Variant Classification Sherloc (09022015). Collection method: clinical testing. Allele origin: germline.
Comment: This sequence change replaces valine, which is neutral and non-polar, with isoleucine, which is neutral and non-polar, at codon 69 of the TTC21B protein (p.Val69Ile). This variant is present in population databases (rs141739444, gnomAD 0.003%). This variant has not been reported in the literature in individuals affected with TTC21B-related conditions. Algorithms developed to predict the effect of missense changes on protein structure and function output the following: SIFT: "Deleterious"; PolyPhen-2: "Benign"; Align-GVGD: "Class C0". The isoleucine amino acid residue is found in multiple mammalian species, which suggests that this missense change does not adversely affect protein function. In summary, the available evidence is currently insufficient to determine the role of this variant in disease. Therefore, it has been classified as a Variant of Uncertain Significance.

PreventionGenetics, part of Exact Sciences
Classification: Uncertain significance for TTC21B-related condition. Last evaluated: 2024-08-06. Review status: no assertion criteria provided. Collection method: clinical testing. Allele origin: germline. Not counted in ClinVar's aggregate classification.
Comment: The TTC21B c.205G>A variant is predicted to result in the amino acid substitution p.Val69Ile. To our knowledge, this variant has not been reported in the literature. This variant is reported in 0.0033% of alleles in individuals of South Asian descent in gnomAD. At this time, the clinical significance of this variant is uncertain due to the absence of conclusive functional and genetic evidence.

NM_024753.5(TTC21B):c.205G>A (p.Val69Ile)

Gene: TTC21B (tetratricopeptide repeat domain 21B; minus strand). Cytogenetic location: 2q24.3.
Variant type: single nucleotide variant.
Coding change: c.205G>A on transcript NM_024753.5 (MANE Select); coding-DNA position 205, G replaced by A.
Protein change: p.Val69Ile; replaces valine 69 with isoleucine.
Molecular consequence: missense variant.
Genome position (GRCh38, 1-based): chr2:165,949,451, C>T on the plus strand (G>A on the coding strand, the complement: TTC21B is on the minus strand). VCF-style: chr2-165949451-C-T. GRCh37 (hg19) VCF-style: chr2-166805961-C-T.
Other names: c.205G>A (NM_024753.4); short protein forms V69I.
Identifiers: ClinVar variation 2110743 (VCV002110743.4), dbSNP rs141739444, ClinGen allele CA1942521.